The following is an entry in ClinVar:

NM_001364905.1(LRBA):c.4095G>C (p.Met1365Ile)

Gene: LRBA (LPS responsive beige-like anchor protein; minus strand). Cytogenetic location: 4q31.3.
Variant type: single nucleotide variant.
Coding change: c.4095G>C on transcript NM_001364905.1 (MANE Select); coding-DNA position 4095, G replaced by C.
Protein change: p.Met1365Ile; replaces methionine 1365 with isoleucine.
Molecular consequence: missense variant.
Genome position (GRCh38, 1-based): chr4:150,849,485, C>G on the plus strand (G>C on the coding strand, the complement: LRBA is on the minus strand). VCF-style: chr4-150849485-C-G. GRCh37 (hg19) VCF-style: chr4-151770637-C-G.
Other names: c.4095G>C, p.Met1365Ile (NM_001199282.3, NM_001367550.1, NM_006726.5); short protein forms M1365I.
Identifiers: ClinVar variation 1499831 (VCV001499831.5), dbSNP rs1373276892, ClinGen allele CA358453992.
Genomic context (GRCh38, chr4:150,849,485, plus strand): 5'-AGCCGATGTAGCAGCTGAAAGCAATGGCAGTATACCCCCACAAGCCATGACCATATTGTC[C>G]ATCACTTGAGAGATGAGATGAATTGTGTTGTGTACAAAGATGACATTATCACTGCTATTC-3'
Protein context (NP_001351834.1, residues 1355-1375): HNTIHLISQV[Met1365Ile]DNMVMACGGI

ClinVar aggregate classification (germline): Uncertain significance (1 of 4 stars; one submission).

Conditions:
Combined immunodeficiency due to LRBA deficiency. Also called: Common variable immunodeficiency 8, with autoimmunity. Identifiers: Orphanet 445018, MedGen C3553512, MONDO:0013863, OMIM 614700.

Allele frequency attached by ClinVar (database versions not stated): gnomAD exomes below 0.00001.

Submission:

Labcorp Genetics (formerly Invitae), Labcorp
Classification: Uncertain significance for Combined immunodeficiency due to LRBA deficiency. Last evaluated: 2021-09-24. Review status: criteria provided, single submitter. Criteria: Invitae Variant Classification Sherloc (09022015). Collection method: clinical testing. Allele origin: germline.
Comment: This sequence change replaces methionine with isoleucine at codon 1365 of the LRBA protein (p.Met1365Ile). The methionine residue is weakly conserved and there is a small physicochemical difference between methionine and isoleucine. This variant is not present in population databases (ExAC no frequency). This variant has not been reported in the literature in individuals with LRBA-related conditions. Algorithms developed to predict the effect of missense changes on protein structure and function are either unavailable or do not agree on the potential impact of this missense change (SIFT: "Tolerated"; PolyPhen-2: "Probably Damaging"; Align-GVGD: "Class C0"). In summary, the available evidence is currently insufficient to determine the role of this variant in disease. Therefore, it has been classified as a Variant of Uncertain Significance.